The following is an entry in ClinVar:

NM_006035.4(CDC42BPB):c.4828-3C>T

Gene: CDC42BPB (CDC42 binding protein kinase beta; minus strand). Cytogenetic location: 14q32.32.
Variant type: single nucleotide variant.
Coding change: c.4828-3C>T on transcript NM_006035.4 (MANE Select); 3 bases into the intron before coding-DNA position 4828, C replaced by T.
Molecular consequence: intron variant.
Genome position (GRCh38, 1-based): chr14:102,938,414, G>A on the plus strand (C>T on the coding strand, the complement: CDC42BPB is on the minus strand). VCF-style: chr14-102938414-G-A. GRCh37 (hg19) VCF-style: chr14-103404751-G-A.
Other names: c.4750-3C>T (NM_001411054.1).
Identifiers: ClinVar variation 4082958 (VCV004082958.1).

ClinVar aggregate classification (germline): Uncertain significance (1 of 4 stars; one submission).

Submission:

GeneDx
Classification: Uncertain significance. Last evaluated: 2025-03-03. Review status: criteria provided, single submitter. Criteria: GeneDx Variant Classification Process June 2021. Collection method: clinical testing. Allele origin: germline. Affected: yes.
Comment: Not observed at significant frequency in large population cohorts (gnomAD); Has not been previously published as pathogenic or benign to our knowledge; In silico analysis suggests this variant may impact gene splicing. In the absence of RNA/functional studies, the actual effect of this sequence change is unknown.